The following is an entry in ClinVar:

ClinVar aggregate classification (germline): Likely pathogenic (1 of 4 stars; one submission).

gnomAD v4.1: 2 of 1,613,654 alleles (0.00012%); highest among the groups gnomAD compares: Non-Finnish European, 0.00017%; no homozygotes.

Submission:

GeneDx
Classification: Likely pathogenic. Last evaluated: 2026-02-24. Review status: criteria provided, single submitter. Criteria: GeneDx Variant Classification Process June 2021. Collection method: clinical testing. Allele origin: germline.
Comment: Not observed at significant frequency in large population cohorts (gnomAD); In silico analysis supports a deleterious effect on splicing; This variant is associated with the following publications: (PMID: 25220015)

NM_002225.5(IVD):c.234+3G>C

Gene: IVD (isovaleryl-CoA dehydrogenase; plus strand). Cytogenetic location: 15q15.1.
Variant type: single nucleotide variant.
Coding change: c.234+3G>C on transcript NM_002225.5 (MANE Select); 3 bases into the intron after coding-DNA position 234, G replaced by C.
Molecular consequence: intron variant. On other transcripts: synonymous variant (2).
Genome position (GRCh38, 1-based): chr15:40,407,728, G>C. VCF-style: chr15-40407728-G-C. GRCh37 (hg19) VCF-style: chr15-40699929-G-C.
Other names: c.237G>C, p.Val79= (NM_001354599.3, NM_001354600.3); c.234+3G>C (NM_001354598.3, NM_001354601.3); c.186+3G>C (NM_001354597.3); c.145-211G>C (NM_001159508.3).
Identifiers: ClinVar variation 4887823 (VCV004887823.1).